The following is an entry in ClinVar:

ClinVar aggregate classification (germline): Likely pathogenic (1 of 4 stars; one submission).

Submission:

Quest Diagnostics Nichols Institute San Juan Capistrano
Classification: Likely pathogenic. Last evaluated: 2022-04-26. Review status: criteria provided, single submitter. Criteria: ACMG/ClinGen CNV Guidelines, 2019. Collection method: clinical testing. Allele origin: unknown.
Comment: This copy number loss includes the JARID2 gene (OMIM 601594), among others. Although JARID2 gene has not been associated with an OMIM phenotype, chromosomal deletions in 6p22-p24 involving JARID2 have been identified in multiple patients with common phenotypes including borderline intellectual functioning to severe intellectual disability (ID) and share characteristic facial features, including prominent supraor bital ridges, deep set eyes, infraorbital dark circles, and midface hypoplasia. JARID2 and DTNBP1 were the only 2 genes involved in a proposed critical region which was responsible for the majority of the phenotypes. A recent multi-center study reported 16 individuals from 15 unrelated families, who had overlapping clinical features including developmental delay and/or ID and a deletion or sequencing variants in JARID2 gene (3 missense and 13 loss-of-function variants). Nine out of 13 loss-of-function variants, including 1 nonsense, 1 splicing, 2 frame shift, and 5 partial focal deletions, were confirmed de novo. In addition, biallelic pathogenic variants in this gene cause autosomal recessive Hermansky-Pudlak syndrome 7 (OMIM 614076). There are no similar copy number losses of this region in the general population of the Database of Genomic Variants (DGV). The evidence of haploinsufficiency of JARID2 gene is still emerging. Therefore, this copy number variant is classified as likely pathogenic. References: Baroy et al., Orphanet J Rare Dis. 2013 Jan 7;8:3. PMID: 23294540. Verberne et al., Genet Med. 2021 Feb;23(2):374-383. PMID: 33077894.

GRCh37/hg19 6p23-22.3(chr6:13891547-15718444)x1

Genes: CD83 (CD83 molecule; plus strand), DTNBP1 (dystrobrevin binding protein 1; minus strand), JARID2 (jumonji and AT-rich interaction domain containing 2; plus strand), RNF182 (ring finger protein 182; plus strand). Cytogenetic location: 6p23-22.3.
Variant type: copy number loss.
Change: copy number 1 (one copy instead of two) of chr6:13,891,547-15,718,444 (1.83 Mb, GRCh37 coordinates, 1-based), cytogenetic band 6p23-22.3.
Identifiers: ClinVar variation 1808641 (VCV001808641.1).